The following is an entry in ClinVar:

ClinVar aggregate classification (germline): Uncertain significance (1 of 4 stars; one submission).

Allele frequency attached by ClinVar (database versions not stated): gnomAD exomes below 0.00001.
gnomAD v4.1: 3 of 1,606,842 alleles (0.00019%); highest among the groups gnomAD compares: Non-Finnish European, 0.00025%; no homozygotes.

Submission:

Athena Diagnostics
Classification: Uncertain significance. Last evaluated: 2023-05-08. Review status: criteria provided, single submitter. Criteria: Athena Diagnostics Criteria. Collection method: clinical testing. Allele origin: unknown.
Comment: Available data are insufficient to determine the clinical significance of the variant at this time. This variant has not been reported in large, multi-ethnic general populations. Computational tools predict that this variant is damaging.

NM_021942.6(TRAPPC11):c.835T>C (p.Cys279Arg)

Gene: TRAPPC11 (trafficking protein particle complex subunit 11; plus strand). Cytogenetic location: 4q35.1.
Variant type: single nucleotide variant.
Coding change: c.835T>C on transcript NM_021942.6 (MANE Select); coding-DNA position 835, T replaced by C.
Protein change: p.Cys279Arg; replaces cysteine 279 with arginine.
Molecular consequence: missense variant.
Genome position (GRCh38, 1-based): chr4:183,679,356, T>C. VCF-style: chr4-183679356-T-C. GRCh37 (hg19) VCF-style: chr4-184600509-T-C.
Other names: c.835T>C, p.Cys279Arg (NM_199053.3); short protein forms C279R.
Identifiers: ClinVar variation 2684080 (VCV002684080.1), dbSNP rs2476846156, ClinGen allele CA358862017.
Genomic context (GRCh38, chr4:183,679,356, plus strand): 5'-TATGTCTTTTGACTTTCTTTTTTTCCTTTATTTTGGGATCAATTTTACATTTTGCAGATC[T>C]GTAGGCTGTGTTTTCAACACAACACCCCATTGGATGCAATTGCTCAGTTCCGAAAACACA-3'
Protein context (NP_068761.4, residues 269-289): TMAGFINYKI[Cys279Arg]RLCFQHNTPL